The following is an entry in ClinVar:

NM_001267052.2(UNC45B):c.1567A>G (p.Ile523Val)

Gene: UNC45B (unc-45 myosin chaperone B; plus strand). Cytogenetic location: 17q12.
Variant type: single nucleotide variant.
Coding change: c.1567A>G on transcript NM_001267052.2 (MANE Select); coding-DNA position 1567, A replaced by G.
Protein change: p.Ile523Val; replaces isoleucine 523 with valine.
Molecular consequence: missense variant. On other transcripts: intron variant (1).
Genome position (GRCh38, 1-based): chr17:35,170,133, A>G. VCF-style: chr17-35170133-A-G. GRCh37 (hg19) VCF-style: chr17-33497152-A-G.
Other names: c.1567A>G, p.Ile523Val (NM_001033576.2, NM_173167.3); c.1453-1189A>G (NM_001308281.1); short protein forms I523V.
Identifiers: ClinVar variation 2176523 (VCV002176523.4), dbSNP rs777128445, ClinGen allele CA8501193.

ClinVar aggregate classification (germline): Uncertain significance (1 of 4 stars; one submission).

Allele frequency attached by ClinVar (database versions not stated): gnomAD 0.00002; gnomAD exomes 0.00002; TOPMed 0.00002; ExAC 0.00003.
gnomAD v4.1: 35 of 1,612,732 alleles (0.0022%); highest among the groups gnomAD compares: Non-Finnish European, 0.0029%; no homozygotes.

Submission:

Labcorp Genetics (formerly Invitae), Labcorp
Classification: Uncertain significance. Last evaluated: 2022-07-25. Review status: criteria provided, single submitter. Criteria: Invitae Variant Classification Sherloc (09022015). Collection method: clinical testing. Allele origin: germline.
Comment: This variant has not been reported in the literature in individuals affected with UNC45B-related conditions. Algorithms developed to predict the effect of missense changes on protein structure and function (SIFT, PolyPhen-2, Align-GVGD) all suggest that this variant is likely to be tolerated. In summary, the available evidence is currently insufficient to determine the role of this variant in disease. Therefore, it has been classified as a Variant of Uncertain Significance. This sequence change replaces isoleucine, which is neutral and non-polar, with valine, which is neutral and non-polar, at codon 523 of the UNC45B protein (p.Ile523Val). This variant is present in population databases (rs777128445, gnomAD 0.004%).